The following is an entry in ClinVar:

NM_000548.5(TSC2):c.1146C>A (p.Thr382=)

Gene: TSC2 (TSC complex subunit 2; plus strand). Cytogenetic location: 16p13.3.
Variant type: single nucleotide variant.
Coding change: c.1146C>A on transcript NM_000548.5 (MANE Select); coding-DNA position 1146, C replaced by A.
Protein change: p.Thr382=; no amino-acid change (threonine 382 retained).
Molecular consequence: synonymous variant.
Genome position (GRCh38, 1-based): chr16:2,061,897, C>A. VCF-style: chr16-2061897-C-A. GRCh37 (hg19) VCF-style: chr16-2111898-C-A.
Other names: c.1146C>A, p.Thr382= (NM_001077183.3, NM_001114382.3, NM_001363528.2 and 3 more transcripts); c.1035C>A, p.Thr345= (NM_001318827.2); c.999C>A, p.Thr333= (NM_001318829.2); c.546C>A, p.Thr182= (NM_001318831.2); c.1179C>A, p.Thr393= (NM_001318832.2).
Identifiers: ClinVar variation 739245 (VCV000739245.20), dbSNP rs887128869, ClinGen allele CA276777392.

ClinVar aggregate classification (germline): Benign/Likely benign. Review status: criteria provided, multiple submitters, no conflicts (2 of 4 stars). 5 submissions from 5 submitters: Benign (2); Likely benign (3). Last evaluated 2025-08-12.

Conditions:
Tuberous sclerosis syndrome (TSC). Also called: Tuberous Sclerosis Complex; Tuberous sclerosis. Identifiers: Orphanet 805, MedGen C0041341, MONDO:0001734.
Tuberous sclerosis 2 (TSC2). Identifiers: Orphanet 805, MedGen C1860707, MONDO:0013199, OMIM 613254.
Hereditary cancer-predisposing syndrome. Also called: Hereditary neoplastic syndrome; Neoplastic Syndromes, Hereditary; Tumor predisposition; Hereditary Cancer Syndrome. Identifiers: Orphanet 140162, MedGen C0027672, MeSH D009386, MONDO:0015356.

Allele frequency attached by ClinVar (database versions not stated): gnomAD 0.00001; TOPMed 0.00005.
gnomAD v4.1: 3 of 1,614,082 alleles (0.00019%); highest among the groups gnomAD compares: African/African-American, 0.0027%; no homozygotes.

Submissions (5):

Labcorp Genetics (formerly Invitae), Labcorp
Classification: Likely benign for Tuberous sclerosis 2. Last evaluated: 2025-08-12. Review status: criteria provided, single submitter. Criteria: Invitae Variant Classification Sherloc (09022015). Collection method: clinical testing. Allele origin: germline.

Myriad Genetics, Inc.
Classification: Benign for Tuberous sclerosis 2. Last evaluated: 2025-05-13. Review status: criteria provided, single submitter. Criteria: Myriad Autosomal Dominant, Autosomal Recessive and X-Linked Classification Criteria (2023). Collection method: clinical testing. Allele origin: unknown.
Comment: This variant is considered benign. This variant is a silent/synonymous amino acid change and it is not expected to impact splicing.

All of Us Research Program, National Institutes of Health
Classification: Likely benign for Tuberous sclerosis syndrome. Last evaluated: 2024-04-16. Review status: criteria provided, single submitter. Criteria: ACMG Guidelines, 2015. Collection method: clinical testing. Allele origin: germline. Inheritance: Autosomal dominant inheritance. Observed: 3 variant alleles, 3 heterozygotes.
Comment: This study involves interpretation of variants in research participants for the purpose of population health screening. Participant phenotype was not available at the time of variant classification. Additional details can be found in publication PMID: 35346344, PMCID: PMC8962531

Genome-Nilou Lab
Classification: Benign for Tuberous sclerosis 2. Last evaluated: 2021-11-07. Review status: criteria provided, single submitter. Criteria: ACMG Guidelines, 2015. Collection method: clinical testing. Allele origin: germline. Affected: no.

Ambry Genetics
Classification: Likely benign for Hereditary cancer-predisposing syndrome. Last evaluated: 2019-06-06. Review status: criteria provided, single submitter. Criteria: Ambry Variant Classification Scheme 2023. Collection method: clinical testing. Allele origin: germline.